The following is an entry in ClinVar:

NM_001256071.3(RNF213):c.483C>T (p.Asp161=)

Gene: RNF213 (ring finger protein 213; plus strand). Cytogenetic location: 17q25.3.
Variant type: single nucleotide variant.
Coding change: c.483C>T on transcript NM_001256071.3 (MANE Select); coding-DNA position 483, C replaced by T.
Protein change: p.Asp161=; no amino-acid change (aspartic acid 161 retained).
Molecular consequence: synonymous variant.
Genome position (GRCh38, 1-based): chr17:80,288,036, C>T. VCF-style: chr17-80288036-C-T. GRCh37 (hg19) VCF-style: chr17-78261835-C-T.
Other names: c.483C>T, p.Asp161= (NM_020954.4).
Identifiers: ClinVar variation 719111 (VCV000719111.34), dbSNP rs142022751, ClinGen allele CA8819264.
Genomic context (GRCh38, chr17:80,288,036, plus strand): 5'-TGGCCCCACTGGCCAGCCGAGCCAGCCCCCAGGCACAGCCACCACGCCACTGGAGGGTGA[C>T]GGCCTCTCCGCGCCCACCGAGGTTGGCGACAGCCCCCTGCAGGCCCAGGCTTTGGGAGAG-3'
Protein context (NP_001243000.2, residues 151-171): PGTATTPLEG[Asp161=]GLSAPTEVGD

ClinVar aggregate classification (germline): Benign/Likely benign. Review status: criteria provided, multiple submitters, no conflicts (2 of 4 stars). 4 submissions from 4 submitters: Benign (1); Likely benign (3). Last evaluated 2026-08-05.

Conditions:
RNF213-related disorder. Also called: RNF213-related condition.

Allele frequency attached by ClinVar (database versions not stated): gnomAD 0.00065 and 0.00076; TOPMed 0.00073; gnomAD exomes 0.00091 and 0.00121; ESP Exome Variant Server 0.00093; 1000 Genomes Project 0.00140; 1000 Genomes Project 30x 0.00172; ExAC 0.00185.

Submissions (4):

PreventionGenetics, part of Exact Sciences
Classification: Likely benign for RNF213-related condition. Last evaluated: 2026-08-05. Review status: criteria provided, single submitter. Criteria: ACMG Guidelines, 2015. Collection method: clinical testing. Allele origin: germline.
Comment: This variant is classified as likely benign based on ACMG/AMP sequence variant interpretation guidelines (Richards et al. 2015 PMID: 25741868, with internal and published modifications).

Labcorp Genetics (formerly Invitae), Labcorp
Classification: Benign. Last evaluated: 2025-06-18. Review status: criteria provided, single submitter. Criteria: Invitae Variant Classification Sherloc (09022015). Collection method: clinical testing. Allele origin: germline.

Blueprint Genetics
Classification: Likely benign. Last evaluated: 2024-11-26. Review status: criteria provided, single submitter. Criteria: ACMG Guidelines, 2015. Collection method: clinical testing. Allele origin: germline.

CeGaT Center for Human Genetics Tuebingen
Classification: Likely benign. Last evaluated: 2023-03-01. Review status: criteria provided, single submitter. Criteria: CeGaT Center For Human Genetics Tuebingen Variant Classification Criteria Version 2. Collection method: clinical testing. Allele origin: germline. Affected: yes. Observed: 1 variant allele.
Comment: RNF213: BP4, BP7